The following is an entry in ClinVar:

ClinVar aggregate classification (germline): Uncertain significance (1 of 4 stars; one submission).

Submission:

Labcorp Genetics (formerly Invitae), Labcorp
Classification: Uncertain significance. Last evaluated: 2022-04-26. Review status: criteria provided, single submitter. Criteria: Invitae Variant Classification Sherloc (09022015). Collection method: clinical testing. Allele origin: germline.
Comment: In summary, the available evidence is currently insufficient to determine the role of this variant in disease. Therefore, it has been classified as a Variant of Uncertain Significance. Algorithms developed to predict the effect of missense changes on protein structure and function are either unavailable or do not agree on the potential impact of this missense change (SIFT: "Tolerated"; PolyPhen-2: "Probably Damaging"; Align-GVGD: "Class C0"). This variant has not been reported in the literature in individuals affected with DENND5A-related conditions. This variant is not present in population databases (gnomAD no frequency). This sequence change replaces glutamic acid, which is acidic and polar, with lysine, which is basic and polar, at codon 640 of the DENND5A protein (p.Glu640Lys).

NM_015213.4(DENND5A):c.1918G>A (p.Glu640Lys)

Gene: DENND5A (DENN domain containing 5A; minus strand). Cytogenetic location: 11p15.4.
Variant type: single nucleotide variant.
Coding change: c.1918G>A on transcript NM_015213.4 (MANE Select); coding-DNA position 1918, G replaced by A.
Protein change: p.Glu640Lys; replaces glutamic acid 640 with lysine.
Molecular consequence: missense variant. On other transcripts: non-coding transcript variant (1).
Genome position (GRCh38, 1-based): chr11:9,170,766, C>T on the plus strand (G>A on the coding strand, the complement: DENND5A is on the minus strand). VCF-style: chr11-9170766-C-T. GRCh37 (hg19) VCF-style: chr11-9192313-C-T.
Other names: c.1918G>A, p.Glu640Lys (NM_001243254.2, NM_001348748.1); c.1846G>A, p.Glu616Lys (NM_001348749.2); c.1630G>A, p.Glu544Lys (NM_001348750.2); short protein forms E544K, E616K, E640K.
Identifiers: ClinVar variation 1973236 (VCV001973236.5), dbSNP rs1554916808, ClinGen allele CA379612287.